The following is an entry in ClinVar:

NM_006904.7(PRKDC):c.2302G>A (p.Val768Ile)

Gene: PRKDC (protein kinase, DNA-activated, catalytic subunit; minus strand). Cytogenetic location: 8q11.21.
Variant type: single nucleotide variant.
Coding change: c.2302G>A on transcript NM_006904.7 (MANE Select); coding-DNA position 2302, G replaced by A.
Protein change: p.Val768Ile; replaces valine 768 with isoleucine.
Molecular consequence: missense variant.
Genome position (GRCh38, 1-based): chr8:47,927,311, C>T on the plus strand (G>A on the coding strand, the complement: PRKDC is on the minus strand). VCF-style: chr8-47927311-C-T. GRCh37 (hg19) VCF-style: chr8-48839871-C-T.
Other names: c.2302G>A, p.Val768Ile (NM_001081640.2); short protein forms V768I.
Identifiers: ClinVar variation 1789312 (VCV001789312.2), dbSNP rs2551878151, ClinGen allele CA371162033.

ClinVar aggregate classification (germline): Uncertain significance (1 of 4 stars; one submission).

Allele frequency attached by ClinVar (database versions not stated): gnomAD exomes below 0.00001.
gnomAD v4.1: 1 of 1,613,770 alleles (0.000062%); highest among the groups gnomAD compares: South Asian, 0.0011%; no homozygotes.

Submission:

Ambry Genetics
Classification: Uncertain significance. Last evaluated: 2021-11-22. Review status: criteria provided, single submitter. Criteria: Ambry Variant Classification Scheme 2023. Collection method: clinical testing. Allele origin: germline.
Comment: The p.V768I variant (also known as c.2302G>A), located in coding exon 21 of the PRKDC gene, results from a G to A substitution at nucleotide position 2302. The valine at codon 768 is replaced by isoleucine, an amino acid with highly similar properties. This amino acid position is conserved. In addition, this alteration is predicted to be tolerated by in silico analysis. Since supporting evidence is limited at this time, the clinical significance of this alteration remains unclear.